The following is an entry in ClinVar:

NM_002474.3(MYH11):c.2733G>A (p.Val911=)

Gene: MYH11 (myosin heavy chain 11; minus strand). Cytogenetic location: 16p13.11.
Variant type: single nucleotide variant.
Coding change: c.2733G>A on transcript NM_002474.3 (MANE Select); coding-DNA position 2733, G replaced by A.
Protein change: p.Val911=; no amino-acid change (valine 911 retained).
Molecular consequence: synonymous variant.
Genome position (GRCh38, 1-based): chr16:15,741,589, C>T on the plus strand (G>A on the coding strand, the complement: MYH11 is on the minus strand). VCF-style: chr16-15741589-C-T. GRCh37 (hg19) VCF-style: chr16-15835446-C-T.
Other names: c.2754G>A, p.Val918= (NM_001040113.2, NM_001040114.2); c.2733G>A, p.Val911= (NM_022844.3).
Identifiers: ClinVar variation 516340 (VCV000516340.13), dbSNP rs200531561, ClinGen allele CA7922181.

ClinVar aggregate classification (germline): Benign/Likely benign. Review status: criteria provided, multiple submitters, no conflicts (2 of 4 stars). 5 submissions from 5 submitters: Benign (1); Likely benign (4). Last evaluated 2025-12-02.

Conditions:
Familial thoracic aortic aneurysm and aortic dissection (TAAD). Also called: Thoracic aortic aneurysms and dissections. Identifiers: Orphanet 91387, MedGen C4707243, MONDO:0019625.
Aortic aneurysm, familial thoracic 4 (AAT4). Also called: AORTIC ANEURYSM/AORTIC DISSECTION AND PATENT DUCTUS ARTERIOSUS. Identifiers: MedGen C1851504, MONDO:0007568, OMIM 132900.

Allele frequency attached by ClinVar (database versions not stated): gnomAD 0.00001; TOPMed 0.00002; ExAC 0.00003; gnomAD exomes 0.00005.
gnomAD v4.1: 143 of 1,612,594 alleles (0.0089%); highest among the groups gnomAD compares: South Asian, 0.023%; no homozygotes.

Submissions (5):

Labcorp Genetics (formerly Invitae), Labcorp
Classification: Likely benign for Aortic aneurysm, familial thoracic 4. Last evaluated: 2025-12-02. Review status: criteria provided, single submitter. Criteria: Invitae Variant Classification Sherloc (09022015). Collection method: clinical testing. Allele origin: germline.

All of Us Research Program, National Institutes of Health
Classification: Likely benign for Familial thoracic aortic aneurysm and aortic dissection. Last evaluated: 2023-10-06. Review status: criteria provided, single submitter. Criteria: ACMG Guidelines, 2015. Collection method: clinical testing. Allele origin: germline. Inheritance: Autosomal dominant inheritance. Observed: 4 variant alleles, 4 heterozygotes.
Comment: This study involves interpretation of variants in research participants for the purpose of population health screening. Participant phenotype was not available at the time of variant classification. Additional details can be found in publication PMID: 35346344, PMCID: PMC8962531

Ambry Genetics
Classification: Likely benign for Familial thoracic aortic aneurysm and aortic dissection. Last evaluated: 2023-01-20. Review status: criteria provided, single submitter. Criteria: Ambry Variant Classification Scheme 2023. Collection method: clinical testing. Allele origin: germline.

Color Diagnostics, LLC DBA Color Health
Classification: Likely benign for Familial thoracic aortic aneurysm and aortic dissection. Last evaluated: 2018-10-30. Review status: criteria provided, single submitter. Criteria: ACMG Guidelines, 2015. Collection method: clinical testing. Allele origin: germline.

GeneDx
Classification: Benign. Last evaluated: 2017-09-06. Review status: criteria provided, single submitter. Criteria: GeneDx Variant Classification (06012015). Collection method: clinical testing. Allele origin: germline. Affected: yes.
Comment: This variant is considered likely benign or benign based on one or more of the following criteria: it is a conservative change, it occurs at a poorly conserved position in the protein, it is predicted to be benign by multiple in silico algorithms, and/or has population frequency not consistent with disease.